The following is an entry in ClinVar:

NM_001048174.2(MUTYH):c.268G>A (p.Glu90Lys)

Gene: MUTYH (mutY DNA glycosylase; minus strand). Cytogenetic location: 1p34.1.
Variant type: single nucleotide variant.
Coding change: c.268G>A on transcript NM_001048174.2 (MANE Select); coding-DNA position 268, G replaced by A.
Protein change: p.Glu90Lys; replaces glutamic acid 90 with lysine.
Molecular consequence: missense variant. On other transcripts: 5 prime UTR variant (4), non-coding transcript variant (2).
Genome position (GRCh38, 1-based): chr1:45,333,321, C>T on the plus strand (G>A on the coding strand, the complement: MUTYH is on the minus strand). VCF-style: chr1-45333321-C-T. GRCh37 (hg19) VCF-style: chr1-45798993-C-T.
Other names: c.268G>A, p.Glu90Lys (NM_001048171.2, NM_001048173.2, NM_001293195.2); c.271G>A, p.Glu91Lys (NM_001048172.2); c.352G>A, p.Glu118Lys (NM_001128425.2); c.313G>A, p.Glu105Lys (NM_001293190.2); c.301G>A, p.Glu101Lys (NM_001293191.2); c.-9G>A (NM_001293192.2, NM_001293196.2); c.-4G>A (NM_001350650.2, NM_001350651.2); c.343G>A, p.Glu115Lys (NM_012222.3); short protein forms E118K, E101K, E105K, E91K, E90K, E115K.
Identifiers: ClinVar variation 464714 (VCV000464714.11), dbSNP rs1553129892, ClinGen allele CA340136312.

ClinVar aggregate classification (germline): Uncertain significance. Review status: criteria provided, multiple submitters, no conflicts (2 of 4 stars). 2 submissions from 2 submitters: Uncertain significance (2). Last evaluated 2025-08-27.

Conditions:
Hereditary cancer-predisposing syndrome. Also called: Neoplastic Syndromes, Hereditary; Tumor predisposition; Hereditary neoplastic syndrome; Hereditary Cancer Syndrome. Identifiers: Orphanet 140162, MedGen C0027672, MeSH D009386, MONDO:0015356.
Familial adenomatous polyposis 2. Also called: COLORECTAL ADENOMATOUS POLYPOSIS, AUTOSOMAL RECESSIVE; ADENOMAS, MULTIPLE COLORECTAL, AUTOSOMAL RECESSIVE; MUTYH-associated polyposis; FAP type 2; MUTYH-related attenuated familial adenomatous polyposis; Adenomas, multiple colorectal. Identifiers: Orphanet 220460, Orphanet 247798, MedGen C3272841, MONDO:0012041, OMIM 608456.

Submissions (2):

Ambry Genetics
Classification: Uncertain significance for Hereditary cancer-predisposing syndrome. Last evaluated: 2025-08-27. Review status: criteria provided, single submitter. Criteria: Ambry Variant Classification Scheme 2023. Collection method: clinical testing. Allele origin: germline.
Comment: The p.E118K variant (also known as c.352G>A), located in coding exon 4 of the MUTYH gene, results from a G to A substitution at nucleotide position 352. The glutamic acid at codon 118 is replaced by lysine, an amino acid with similar properties. This amino acid position is conserved. In addition, this alteration is predicted to be tolerated by in silico analysis. Based on the available evidence, the clinical significance of this variant remains unclear.

Labcorp Genetics (formerly Invitae), Labcorp
Classification: Uncertain significance for Familial adenomatous polyposis 2. Last evaluated: 2024-04-30. Review status: criteria provided, single submitter. Criteria: Invitae Variant Classification Sherloc (09022015). Collection method: clinical testing. Allele origin: germline.
Comment: This sequence change replaces glutamic acid, which is acidic and polar, with lysine, which is basic and polar, at codon 118 of the MUTYH protein (p.Glu118Lys). This variant is not present in population databases (gnomAD no frequency). This variant has not been reported in the literature in individuals affected with MUTYH-related conditions. ClinVar contains an entry for this variant (Variation ID: 464714). Algorithms developed to predict the effect of missense changes on protein structure and function output the following: SIFT: "Not Available"; PolyPhen-2: "Benign"; Align-GVGD: "Not Available". The lysine amino acid residue is found in multiple mammalian species, which suggests that this missense change does not adversely affect protein function. In summary, the available evidence is currently insufficient to determine the role of this variant in disease. Therefore, it has been classified as a Variant of Uncertain Significance.